The following is an entry in ClinVar:

NM_004525.3(LRP2):c.12973A>G (p.Arg4325Gly)

Gene: LRP2 (LDL receptor related protein 2; minus strand). Cytogenetic location: 2q31.1.
Variant type: single nucleotide variant.
Coding change: c.12973A>G on transcript NM_004525.3 (MANE Select); coding-DNA position 12973, A replaced by G.
Protein change: p.Arg4325Gly; replaces arginine 4325 with glycine.
Molecular consequence: missense variant.
Genome position (GRCh38, 1-based): chr2:169,145,762, T>C on the plus strand (A>G on the coding strand, the complement: LRP2 is on the minus strand). VCF-style: chr2-169145762-T-C. GRCh37 (hg19) VCF-style: chr2-170002272-T-C.
Other names: short protein forms R4325G.
Identifiers: ClinVar variation 2112256 (VCV002112256.4), dbSNP rs2545660684, ClinGen allele CA349126888.

ClinVar aggregate classification (germline): Uncertain significance (1 of 4 stars; one submission).

Submission:

Labcorp Genetics (formerly Invitae), Labcorp
Classification: Uncertain significance. Last evaluated: 2023-08-29. Review status: criteria provided, single submitter. Criteria: Invitae Variant Classification Sherloc (09022015). Collection method: clinical testing. Allele origin: germline.
Comment: This sequence change replaces arginine, which is basic and polar, with glycine, which is neutral and non-polar, at codon 4325 of the LRP2 protein (p.Arg4325Gly). This variant is not present in population databases (gnomAD no frequency). This variant has not been reported in the literature in individuals affected with LRP2-related conditions. ClinVar contains an entry for this variant (Variation ID: 2112256). Advanced modeling of protein sequence and biophysical properties (such as structural, functional, and spatial information, amino acid conservation, physicochemical variation, residue mobility, and thermodynamic stability) performed at Invitae indicates that this missense variant is expected to disrupt LRP2 protein function. In summary, the available evidence is currently insufficient to determine the role of this variant in disease. Therefore, it has been classified as a Variant of Uncertain Significance.